The following is an entry in ClinVar:

ClinVar aggregate classification (germline): Uncertain significance (1 of 4 stars; one submission).

Conditions:
Candidiasis, familial, 8 (CANDF8). Identifiers: Orphanet 1334, MedGen C3714992, MONDO:0014230, OMIM 615527.

Allele frequency attached by ClinVar (database versions not stated): gnomAD exomes below 0.00001; TOPMed below 0.00001; ExAC 0.00001; gnomAD 0.00001.
gnomAD v4.1: 7 of 1,611,370 alleles (0.00043%); highest among the groups gnomAD compares: Admixed American, 0.0034%; no homozygotes.

Submission:

Labcorp Genetics (formerly Invitae), Labcorp
Classification: Uncertain significance for Candidiasis, familial, 8. Last evaluated: 2021-09-02. Review status: criteria provided, single submitter. Criteria: Invitae Variant Classification Sherloc (09022015). Collection method: clinical testing. Allele origin: germline.
Comment: This sequence change replaces cysteine with tyrosine at codon 361 of the TRAF3IP2 protein (p.Cys361Tyr). The cysteine residue is weakly conserved and there is a large physicochemical difference between cysteine and tyrosine. This variant is present in population databases (rs773316350, ExAC 0.001%). This variant has not been reported in the literature in individuals affected with TRAF3IP2-related conditions. Algorithms developed to predict the effect of missense changes on protein structure and function output the following: SIFT: "Tolerated"; PolyPhen-2: "Benign"; Align-GVGD: "Class C0". The tyrosine amino acid residue is found in multiple mammalian species, which suggests that this missense change does not adversely affect protein function. In summary, the available evidence is currently insufficient to determine the role of this variant in disease. Therefore, it has been classified as a Variant of Uncertain Significance.

NM_147686.4(TRAF3IP2):c.1082G>A (p.Cys361Tyr)

Genes: TRAF3IP2 (TRAF3 interacting protein 2; minus strand), TRAF3IP2-AS1 (TRAF3IP2 antisense RNA 1; plus strand). Cytogenetic location: 6q21.
Variant type: single nucleotide variant.
Coding change: c.1082G>A on transcript NM_147686.4 (MANE Select); coding-DNA position 1082, G replaced by A.
Protein change: p.Cys361Tyr; replaces cysteine 361 with tyrosine.
Molecular consequence: missense variant.
Genome position (GRCh38, 1-based): chr6:111,575,762, C>T on the plus strand (G>A on the coding strand, the complement: TRAF3IP2 is on the minus strand). VCF-style: chr6-111575762-C-T. GRCh37 (hg19) VCF-style: chr6-111896965-C-T.
Other names: c.1082G>A, p.Cys361Tyr (NM_001164281.3); c.1109G>A, p.Cys370Tyr (NM_147200.3); short protein forms C361Y, C370Y.
Identifiers: ClinVar variation 856960 (VCV000856960.7), dbSNP rs773316350, ClinGen allele CA3963185.